The following is an entry in ClinVar:

NM_001099403.2(PRDM8):c.14G>A (p.Gly5Asp)

Gene: PRDM8 (PR/SET domain 8; plus strand). Cytogenetic location: 4q21.21.
Variant type: single nucleotide variant.
Coding change: c.14G>A on transcript NM_001099403.2 (MANE Select); coding-DNA position 14, G replaced by A.
Protein change: p.Gly5Asp; replaces glycine 5 with aspartic acid.
Molecular consequence: missense variant.
Genome position (GRCh38, 1-based): chr4:80,200,094, G>A. VCF-style: chr4-80200094-G-A. GRCh37 (hg19) VCF-style: chr4-81121248-G-A.
Other names: c.14G>A, p.Gly5Asp (NM_020226.4); short protein forms G5D.
Identifiers: ClinVar variation 943120 (VCV000943120.8), dbSNP rs372824214, ClinGen allele CA2982107.

ClinVar aggregate classification (germline): Uncertain significance (1 of 4 stars; one submission).

Conditions:
Early-onset Lafora body disease. Also called: Epilepsy, progressive myoclonic, 10. Identifiers: Orphanet 324290, MedGen C4225258, MONDO:0014717, OMIM 616640.

Allele frequency attached by ClinVar (database versions not stated): ExAC 0.00002; gnomAD exomes 0.00003 and 0.00005; gnomAD 0.00005; ESP Exome Variant Server 0.00008; TOPMed 0.00008.
gnomAD v4.1: 59 of 1,613,150 alleles (0.0037%); highest among the groups gnomAD compares: Admixed American, 0.012%; no homozygotes.

Submission:

Labcorp Genetics (formerly Invitae), Labcorp
Classification: Uncertain significance for Early-onset Lafora body disease. Last evaluated: 2022-10-13. Review status: criteria provided, single submitter. Criteria: Invitae Variant Classification Sherloc (09022015). Collection method: clinical testing. Allele origin: germline.
Comment: This variant has not been reported in the literature in individuals affected with PRDM8-related conditions. In summary, the available evidence is currently insufficient to determine the role of this variant in disease. Therefore, it has been classified as a Variant of Uncertain Significance. Advanced modeling of protein sequence and biophysical properties (such as structural, functional, and spatial information, amino acid conservation, physicochemical variation, residue mobility, and thermodynamic stability) performed at Invitae indicates that this missense variant is not expected to disrupt PRDM8 protein function. ClinVar contains an entry for this variant (Variation ID: 943120). This variant is present in population databases (rs372824214, gnomAD 0.03%). This sequence change replaces glycine, which is neutral and non-polar, with aspartic acid, which is acidic and polar, at codon 5 of the PRDM8 protein (p.Gly5Asp).